The following is an entry in ClinVar:

NM_001453.3(FOXC1):c.474dup (p.Tyr159fs)

Gene: FOXC1 (forkhead box C1; plus strand). Cytogenetic location: 6p25.3.
Variant type: Duplication.
Coding change: c.474dup on transcript NM_001453.3 (MANE Select); coding-DNA position 474, one base duplicated (C; older notation c.474dupC).
Protein change: p.Tyr159fs; shifts the reading frame from tyrosine 159.
Molecular consequence: frameshift variant.
Genome position (GRCh38, 1-based): chr6:1,610,919, C duplicated; the last of 2 consecutive C bases (chr6:1,610,918-1,610,919); duplicating either gives the same sequence. VCF-style (leftmost placement, unchanged base first): chr6-1610917-T-TC. GRCh37 (hg19) VCF-style: chr6-1611152-T-TC.
Other names: short protein forms Y159fs.
Identifiers: ClinVar variation 2008330 (VCV002008330.4), dbSNP rs2480502742, ClinGen allele CA2580074189.
Genomic context (GRCh38, chr6:1,610,917, plus strand): 5'-AAGGTGCCGCGCGACGACAAGAAGCCGGGCAAGGGCAGCTACTGGACGCTGGACCCGGAC[T>TC]CCTACAACATGTTCGAGAACGGCAGCTTCCTGCGGCGGCGGCGGCGCTTCAAGAAGAAGG-3'

ClinVar aggregate classification (germline): Pathogenic (1 of 4 stars; one submission).

Conditions:
Axenfeld-Rieger syndrome type 3 (RIEG3). Also called: AXENFELD-RIEGER ANOMALY WITH CARDIAC DEFECTS AND/OR SENSORINEURAL HEARING LOSS. Identifiers: Orphanet 782, MedGen C2678503, MONDO:0011233, OMIM 602482.

Submission:

Labcorp Genetics (formerly Invitae), Labcorp
Classification: Pathogenic for Axenfeld-Rieger syndrome type 3. Last evaluated: 2022-06-21. Review status: criteria provided, single submitter. Criteria: Invitae Variant Classification Sherloc (09022015). Collection method: clinical testing. Allele origin: germline.
Comment: This sequence change creates a premature translational stop signal (p.Tyr159Leufs*147) in the FOXC1 gene. While this is not anticipated to result in nonsense mediated decay, it is expected to disrupt the last 395 amino acid(s) of the FOXC1 protein. This variant is not present in population databases (gnomAD no frequency). This variant has not been reported in the literature in individuals affected with FOXC1-related conditions. This variant disrupts a region of the FOXC1 protein in which other variant(s) (p.Gln467*) have been determined to be pathogenic (PMID: 32499604; Invitae). This suggests that this is a clinically significant region of the protein, and that variants that disrupt it are likely to be disease-causing. For these reasons, this variant has been classified as Pathogenic.

Literature cited by the submitters: PubMed 32499604.